The following is an entry in ClinVar:

ClinVar aggregate classification (germline): Likely pathogenic (3 of 4 stars; one submission).

Conditions:
Creatine transporter deficiency (CCDS1). Also called: Mental retardation , X-linked with seizures, short stature and midface hypoplasia; Mental retardation , X-linked, with creatine transport deficiency; X-linked creatine transporter deficiency; X-linked creatine deficiency syndrome; SLC6A8-Related Creatine Transporter Deficiency; CREATINE TRANSPORTER DEFECT. Identifiers: Orphanet 52503, MedGen C1845862, MONDO:0010305, OMIM 300352.

Submission:

ClinGen Cerebral Creatine Deficiency Syndromes Variant Curation Expert Panel, ClinGen
Classification: Likely pathogenic for Creatine transporter deficiency. Last evaluated: 2026-04-29. Review status: reviewed by expert panel. Criteria: ClinGen_CCDS_ACMG_Specifications_SLC6A8_v1.1. Collection method: curation. Allele origin: germline. Inheritance: X-linked inheritance.
Comment: The NM_005629.4(SLC6A8):c.497del (p.Thr166SerfsTer?) variant in SLC6A8 is a frameshift variant predicted to a premature stop codon in biologically-relevant-exon 4/13 leading to nonsense mediated decay in a gene in which loss-of-function is an established disease mechanism (PVS1). No urine creatine level, brain creatine level on MRS, or fibroblast creatine uptake studies were reported. There was insufficient evidence to apply PP4 or PP1 The variant is not present in gnomAD v4.1.0. (PM2_Supporting). The classification of this variant has been upgraded from Variant of Uncertain Significance to Likely Pathogenic based on the recommendations of the ClinGen Sequence Variant Interpretation Working Group, that a variant meeting PVS1 and PM2_Supporting is classified as Likely Pathogenic. In summary, this variant meets the criteria to be classified as likely pathogenic for creatine transporter deficiency. SLC6A8-specific ACMG/AMP criteria applied, as specified by the ClinGen CCDS VCEP (Specifications Version 1.2.0.): PVS1, PM2_Supporting. (Classification approved by the ClinGen CCDS VCEP, April 29, 2026)

NM_005629.4(SLC6A8):c.497del (p.Thr166fs)

Gene: SLC6A8 (solute carrier family 6 member 8; plus strand). Cytogenetic location: Xq28.
Variant type: Deletion.
Coding change: c.497del on transcript NM_005629.4 (MANE Select); coding-DNA position 497, one base deleted (C; older notation c.497delC).
Protein change: p.Thr166fs; shifts the reading frame from threonine 166.
Molecular consequence: frameshift variant.
Genome position (GRCh38, 1-based): chrX:153,691,406, C deleted. VCF-style (leftmost placement, unchanged base first): chrX-153691405-AC-A. GRCh37 (hg19) VCF-style: chrX-152956860-AC-A.
Other names: NM_001142805.2:c.497del; c.497del, p.Thr166fs (NM_001142805.2); c.152del, p.Thr51fs (NM_001142806.1); short protein forms T166fs, T51fs.
Identifiers: ClinVar variation 3066429 (VCV003066429.2), dbSNP rs2522156030, ClinGen allele CA2582131064.